The following is an entry in ClinVar:

NM_000159.4(GCDH):c.479A>G (p.Gln160Arg)

Gene: GCDH (glutaryl-CoA dehydrogenase; plus strand). Cytogenetic location: 19p13.13.
Variant type: single nucleotide variant.
Coding change: c.479A>G on transcript NM_000159.4 (MANE Select); coding-DNA position 479, A replaced by G.
Protein change: p.Gln160Arg; replaces glutamine 160 with arginine.
Molecular consequence: missense variant. On other transcripts: non-coding transcript variant (2).
Genome position (GRCh38, 1-based): chr19:12,893,627, A>G. VCF-style: chr19-12893627-A-G. GRCh37 (hg19) VCF-style: chr19-13004441-A-G.
Other names: c.479A>G, p.Gln160Arg (NM_013976.5); short protein forms Q160R.
Identifiers: ClinVar variation 529445 (VCV000529445.18), dbSNP rs1176799813, ClinGen allele CA404317639.

ClinVar aggregate classification (germline): Pathogenic/Likely pathogenic. Review status: criteria provided, multiple submitters, no conflicts (2 of 4 stars). 6 submissions from 6 submitters: Pathogenic (1); Likely pathogenic (4). 1 of the submissions does not count toward it. Last evaluated 2024-04-10.

Conditions:
Glutaric aciduria, type 1. Also called: GA I; Glutaric Acidemia Type 1; Glutaricaciduria, type I; Glutaryl-CoA dehydrogenase deficiency; Glutaric acidemia type I; Glutaricacidemia Type 1. Identifiers: Orphanet 25, MedGen C0268595, MONDO:0009281, OMIM 231670.

Allele frequency attached by ClinVar (database versions not stated): gnomAD exomes 0.00001; TOPMed below 0.00001; gnomAD 0.00001.
gnomAD v4.1: 4 of 1,613,982 alleles (0.00025%); highest among the groups gnomAD compares: Non-Finnish European, 0.00034%; no homozygotes.

Submissions (6):

Natera, Inc.
Classification: Likely pathogenic for Glutaric acidemia type 1. Last evaluated: 2024-04-10. Review status: criteria provided, single submitter. Criteria: Natera Variant Classification Schema (03/2026). Collection method: clinical testing. Allele origin: germline.
Comment: The c.479A>G variant in GCDH is a missense variant predicted to cause substitution of glutamine to arginine at amino acid 160. This variant is rare in the general population with a frequency below the threshold expected for the associated phenotype(s). This variant has been observed in one or more individuals affected with the associated recessive disease, as either homozygous or compound heterozygous with a second variant (PMID: 20084589). Functional studies show that this variant may disrupt protein function (PMID: 37078465). Computational prediction algorithms indicate this variant is likely to affect gene or protein function. Given the available evidence, this variant is classified as Likely Pathogenic.

Fulgent Genetics
Classification: Likely pathogenic for Glutaric aciduria, type 1. Last evaluated: 2024-03-31. Review status: criteria provided, single submitter. Criteria: ACMG Guidelines, 2015. Collection method: clinical testing. Allele origin: germline.

Women's Health and Genetics/Laboratory Corporation of America, LabCorp
Classification: Likely pathogenic for Glutaric aciduria, type 1. Last evaluated: 2024-03-28. Review status: criteria provided, single submitter. Criteria: LabCorp Variant Classification Summary - May 2015. Collection method: clinical testing. Allele origin: germline.
Comment: Variant summary: GCDH c.479A>G (p.Gln160Arg) results in a conservative amino acid change located in the Acyl-CoA dehydrogenase/oxidase, N-terminal domain (IPR013786) of the encoded protein sequence. Four of five in-silico tools predict a damaging effect of the variant on protein function. The variant was absent in 251384 control chromosomes (gnomAD). c.479A>G has been reported in the literature in a homozygous individual affected with Glutaric Acidemia Type 1 (Holiner_2010). These data indicate that the variant may be associated with disease. An enzymatic assay using skin fibroblasts from the patient showed a complete lack of GCDH activity. The following publication has been ascertained in the context of this evaluation (PMID: 20084589). ClinVar contains an entry for this variant (Variation ID: 529445). Based on the evidence outlined above, the variant was classified as likely pathogenic.

Baylor Genetics
Classification: Likely pathogenic for Glutaric aciduria, type 1. Last evaluated: 2024-03-03. Review status: criteria provided, single submitter. Criteria: ACMG Guidelines, 2015. Collection method: clinical testing. Allele origin: unknown.

Labcorp Genetics (formerly Invitae), Labcorp
Classification: Pathogenic for Glutaric aciduria, type 1. Last evaluated: 2023-12-17. Review status: criteria provided, single submitter. Criteria: Invitae Variant Classification Sherloc (09022015). Collection method: clinical testing. Allele origin: germline.
Comment: This sequence change replaces glutamine, which is neutral and polar, with arginine, which is basic and polar, at codon 160 of the GCDH protein (p.Gln160Arg). This variant is not present in population databases (gnomAD no frequency). This missense change has been observed in individual(s) with glutaric acidemia, type I (PMID: 20084589; Invitae). ClinVar contains an entry for this variant (Variation ID: 529445). Advanced modeling of protein sequence and biophysical properties (such as structural, functional, and spatial information, amino acid conservation, physicochemical variation, residue mobility, and thermodynamic stability) performed at Invitae indicates that this missense variant is expected to disrupt GCDH protein function with a positive predictive value of 80%. For these reasons, this variant has been classified as Pathogenic.

Counsyl
Classification: Uncertain significance for Glutaric aciduria, type 1. Last evaluated: 2018-01-03. Review status: no assertion criteria provided. Collection method: clinical testing. Allele origin: unknown. Not counted in ClinVar's aggregate classification.

Literature cited by the submitters: PubMed 20084589 (cited by 4 submitters); PubMed 37078465 (cited by Natera, Inc.).